The following is an entry in ClinVar:

ClinVar aggregate classification (germline): Uncertain significance (1 of 4 stars; one submission).

Submission:

GeneDx
Classification: Uncertain significance. Last evaluated: 2025-08-04. Review status: criteria provided, single submitter. Criteria: GeneDx Variant Classification Process June 2021. Collection method: clinical testing. Allele origin: germline. Affected: yes.
Comment: Not observed at significant frequency in large population cohorts (gnomAD); In silico analysis suggests that this missense variant does not alter protein structure/function; Has not been previously published as pathogenic or benign to our knowledge

NM_001379403.1(WDR26):c.1309G>A (p.Val437Ile)

Gene: WDR26 (WD repeat domain 26; minus strand). Cytogenetic location: 1q42.12.
Variant type: single nucleotide variant.
Coding change: c.1309G>A on transcript NM_001379403.1 (MANE Select); coding-DNA position 1309, G replaced by A.
Protein change: p.Val437Ile; replaces valine 437 with isoleucine.
Molecular consequence: missense variant.
Genome position (GRCh38, 1-based): chr1:224,418,270, C>T on the plus strand (G>A on the coding strand, the complement: WDR26 is on the minus strand). VCF-style: chr1-224418270-C-T. GRCh37 (hg19) VCF-style: chr1-224605972-C-T.
Other names: c.961G>A, p.Val321Ile (NM_001115113.3); c.1009G>A, p.Val337Ile (NM_025160.7); short protein forms V321I, V337I, V437I.
Identifiers: ClinVar variation 4755893 (VCV004755893.1).